The following is an entry in ClinVar:

NM_001378778.1(MPDZ):c.401A>G (p.His134Arg)

Gene: MPDZ (multiple PDZ domain crumbs cell polarity complex component; minus strand). Cytogenetic location: 9p23.
Variant type: single nucleotide variant.
Coding change: c.401A>G on transcript NM_001378778.1 (MANE Select); coding-DNA position 401, A replaced by G.
Protein change: p.His134Arg; replaces histidine 134 with arginine.
Molecular consequence: missense variant.
Genome position (GRCh38, 1-based): chr9:13,223,703, T>C on the plus strand (A>G on the coding strand, the complement: MPDZ is on the minus strand). VCF-style: chr9-13223703-T-C. GRCh37 (hg19) VCF-style: chr9-13223702-T-C.
Other names: c.401A>G, p.His134Arg (NM_001261406.2, NM_001261407.2, NM_001330637.2 and 14 more transcripts); short protein forms H134R.
Identifiers: ClinVar variation 1362669 (VCV001362669.8), dbSNP rs2136355303, ClinGen allele CA372947784.

ClinVar aggregate classification (germline): Uncertain significance (1 of 4 stars; one submission).

Allele frequency attached by ClinVar (database versions not stated): gnomAD exomes below 0.00001.
gnomAD v4.1: 1 of 1,600,728 alleles (0.000062%); highest among the groups gnomAD compares: Non-Finnish European, 0.000085%; no homozygotes.

Submission:

Labcorp Genetics (formerly Invitae), Labcorp
Classification: Uncertain significance. Last evaluated: 2024-10-14. Review status: criteria provided, single submitter. Criteria: Invitae Variant Classification Sherloc (09022015). Collection method: clinical testing. Allele origin: germline.
Comment: This sequence change replaces histidine, which is basic and polar, with arginine, which is basic and polar, at codon 134 of the MPDZ protein (p.His134Arg). This variant is not present in population databases (gnomAD no frequency). This variant has not been reported in the literature in individuals affected with MPDZ-related conditions. ClinVar contains an entry for this variant (Variation ID: 1362669). An algorithm developed to predict the effect of missense changes on protein structure and function (PolyPhen-2) suggests that this variant is likely to be tolerated. In summary, the available evidence is currently insufficient to determine the role of this variant in disease. Therefore, it has been classified as a Variant of Uncertain Significance.